The following is an entry in ClinVar:

ClinVar aggregate classification (germline): Uncertain significance (1 of 4 stars; one submission).

gnomAD v4.1: 7 of 1,614,206 alleles (0.00043%); highest among the groups gnomAD compares: Non-Finnish European, 0.00059%; no homozygotes.

Submission:

Ambry Genetics
Classification: Uncertain significance. Last evaluated: 2025-06-25. Review status: criteria provided, single submitter. Criteria: Ambry Variant Classification Scheme 2023. Collection method: clinical testing. Allele origin: germline.
Comment: The p.A505T variant (also known as c.1513G>A), located in coding exon 8 of the ATRIP gene, results from a G to A substitution at nucleotide position 1513. The alanine at codon 505 is replaced by threonine, an amino acid with similar properties. This amino acid position is conserved. In addition, this alteration is predicted to be tolerated by in silico analysis. Based on the available evidence, the clinical significance of this variant remains unclear.

NM_130384.3(ATRIP):c.1513G>A (p.Ala505Thr)

Genes: ATRIP (ATR interacting protein; plus strand), ATRIP-TREX1 (ATRIP-TREX1 readthrough; plus strand). Cytogenetic location: 3p21.31.
Variant type: single nucleotide variant.
Coding change: c.1513G>A on transcript NM_130384.3 (MANE Select); coding-DNA position 1513, G replaced by A.
Protein change: p.Ala505Thr; replaces alanine 505 with threonine.
Molecular consequence: missense variant. On other transcripts: non-coding transcript variant (1).
Genome position (GRCh38, 1-based): chr3:48,460,567, G>A. VCF-style: chr3-48460567-G-A. GRCh37 (hg19) VCF-style: chr3-48501966-G-A.
Other names: c.1132G>A, p.Ala378Thr (NM_001271022.2); c.1234G>A, p.Ala412Thr (NM_001271023.2); c.1513G>A, p.Ala505Thr (NM_032166.4); short protein forms A378T, A412T, A505T.
Identifiers: ClinVar variation 4181874 (VCV004181874.1).
Genomic context (GRCh38, chr3:48,460,567, plus strand): 5'-CTGGTGTGCCACAGCGGAGCAGTCGTCTCCCTATTACTGTCAGGAGTGGGGGCAGATTCT[G>A]CTGCTGGGGAAGGAAACAGGAGCCTGGTTCACAGGCTTAGTGATGGAGATATGACCTCAG-3'
Protein context (NP_569055.1, residues 495-515): LLLSGVGADS[Ala505Thr]AGEGNRSLVH